The following is an entry in ClinVar:

NM_004360.5(CDH1):c.1008+13_1008+14delinsAT

Gene: CDH1 (cadherin 1; plus strand). Cytogenetic location: 16q22.1.
Variant type: Indel.
Coding change: c.1008+13_1008+14delinsAT on transcript NM_004360.5 (MANE Select); bases 13 to 14 of the intron after coding-DNA position 1008, GA replaced by AT.
Molecular consequence: intron variant.
Genome position (GRCh38, 1-based): chr16:68,811,872-68,811,873, GA replaced by AT. VCF-style: chr16-68811872-GA-AT. GRCh37 (hg19) VCF-style: chr16-68845775-GA-AT.
Other names: c.-608+13_-608+14delinsAT (NM_001317185.2); c.-812+13_-812+14delinsAT (NM_001317186.2); c.1008+13_1008+14delinsAT (NM_001317184.2).
Identifiers: ClinVar variation 2732162 (VCV002732162.3), dbSNP rs2543923063, ClinGen allele CA2697555903.

ClinVar aggregate classification (germline): Uncertain significance (1 of 4 stars; one submission).

Conditions:
Hereditary diffuse gastric adenocarcinoma (HDGC). Also called: DIFFUSE GASTRIC AND LOBULAR BREAST CANCER SYNDROME. Identifiers: Orphanet 26106, MedGen C1708349, MONDO:0007648, OMIM 137215.

Submission:

Labcorp Genetics (formerly Invitae), Labcorp
Classification: Uncertain significance for Hereditary diffuse gastric adenocarcinoma. Last evaluated: 2023-07-31. Review status: criteria provided, single submitter. Criteria: Invitae Variant Classification Sherloc (09022015). Collection method: clinical testing. Allele origin: germline.
Comment: This sequence change falls in intron 7 of the CDH1 gene. It does not directly change the encoded amino acid sequence of the CDH1 protein. Information on the frequency of this variant in the gnomAD database is not available, as this variant may be reported differently in the database. This variant has not been reported in the literature in individuals affected with CDH1-related conditions. Experimental studies and prediction algorithms are not available or were not evaluated, and the effect of this variant on mRNA splicing is currently unknown. In summary, the available evidence is currently insufficient to determine the role of this variant in disease. Therefore, it has been classified as a Variant of Uncertain Significance.